The following is an entry in ClinVar:

NM_206933.4(USH2A):c.14404T>C (p.Ser4802Pro)

Gene: USH2A (usherin; minus strand). Cytogenetic location: 1q41.
Variant type: single nucleotide variant.
Coding change: c.14404T>C on transcript NM_206933.4 (MANE Select); coding-DNA position 14404, T replaced by C.
Protein change: p.Ser4802Pro; replaces serine 4802 with proline.
Molecular consequence: missense variant.
Genome position (GRCh38, 1-based): chr1:215,648,706, A>G on the plus strand (T>C on the coding strand, the complement: USH2A is on the minus strand). VCF-style: chr1-215648706-A-G. GRCh37 (hg19) VCF-style: chr1-215822048-A-G.
Other names: c.14404T>C (NM_206933.2); short protein forms S4802P.
Identifiers: ClinVar variation 3384766 (VCV003384766.2).

ClinVar aggregate classification (germline): Uncertain significance. Review status: criteria provided, single submitter (1 of 4 stars). 2 submissions from 2 submitters: Uncertain significance (1). 1 of the submissions does not count toward it. Last evaluated 2024-10-11.

Conditions:
Usher syndrome type 2A. Also called: USHER SYNDROME, TYPE IIA; RETINAL DISEASE IN USHER SYNDROME TYPE IIA, MODIFIER OF. Identifiers: Orphanet 231178, Orphanet 886, MedGen C1848634, MONDO:0010169, OMIM 276901.

Submissions (2):

Women's Health and Genetics/Laboratory Corporation of America, LabCorp
Classification: Uncertain significance. Last evaluated: 2024-10-11. Review status: criteria provided, single submitter. Criteria: LabCorp Variant Classification Summary - May 2015. Collection method: clinical testing. Allele origin: germline.
Comment: Variant summary: USH2A c.14404T>C (p.Ser4802Pro) results in a non-conservative amino acid change located in the Fibronectin type III domain (IPR003961) of the encoded protein sequence. Three of five in-silico tools predict a benign effect of the variant on protein function. The variant was absent in 251356 control chromosomes. c.14404T>C has been reported in the literature in individuals affected with Retinitis pigmentosa (example: Gao_2021, Meng_2021). These data indicate that the variant may be associated with disease. To our knowledge, no experimental evidence demonstrating an impact on protein function has been reported. The following publications have been ascertained in the context of this evaluation (PMID: 32188678, 33124170, 31054281). No submitters have cited clinical-significance assessments for this variant to ClinVar. Based on the evidence outlined above, the variant was classified as VUS-possibly pathogenic.

Natera, Inc.
Classification: Likely pathogenic for Usher syndrome type 2A. Last evaluated: 2025-03-10. Review status: no assertion criteria provided. Collection method: clinical testing. Allele origin: germline. Not counted in ClinVar's aggregate classification.

Literature cited by the submitters: PubMed 31054281 (cited by Women's Health and Genetics/Laboratory Corporation of America, LabCorp); PubMed 32188678 (cited by Women's Health and Genetics/Laboratory Corporation of America, LabCorp); PubMed 33124170 (cited by Women's Health and Genetics/Laboratory Corporation of America, LabCorp).